The following is an entry in ClinVar:

ClinVar aggregate classification (germline): Benign. Review status: criteria provided, multiple submitters, no conflicts (2 of 4 stars). 2 submissions from 2 submitters: Benign (2). Last evaluated 2018-06-18.

Allele frequency attached by ClinVar (database versions not stated): gnomAD exomes 0.09644; ExAC 0.10432; 1000 Genomes Project 0.14996; gnomAD 0.15590 and 0.16249; 1000 Genomes Project 30x 0.15709; TOPMed 0.16809; ESP Exome Variant Server 0.17615.
gnomAD v4.1: 145,983 of 1,556,120 alleles (9.4%); highest among the groups gnomAD compares: African/African-American, 35%; 9,966 homozygotes.

Submissions (2):

GeneDx
Classification: Benign. Last evaluated: 2018-06-18. Review status: criteria provided, single submitter. Criteria: GeneDx Variant Classification (06012015). Collection method: clinical testing. Allele origin: germline. Affected: yes.
Comment: This variant is considered likely benign or benign based on one or more of the following criteria: it is a conservative change, it occurs at a poorly conserved position in the protein, it is predicted to be benign by multiple in silico algorithms, and/or has population frequency not consistent with disease.

Breakthrough Genomics
Classification: Benign. Review status: criteria provided, single submitter. Criteria: ACMG Guidelines, 2015. Collection method: not provided. Allele origin: germline. Inheritance: Autosomal recessive inheritance. Affected: yes.

NM_032578.4(MYPN):c.1317+31G>A

Gene: MYPN (myopalladin; plus strand). Cytogenetic location: 10q21.3.
Variant type: single nucleotide variant.
Coding change: c.1317+31G>A on transcript NM_032578.4 (MANE Select); 31 bases into the intron after coding-DNA position 1317, G replaced by A.
Molecular consequence: intron variant.
Genome position (GRCh38, 1-based): chr10:68,150,142, G>A. VCF-style: chr10-68150142-G-A. GRCh37 (hg19) VCF-style: chr10-69909899-G-A.
Other names: c.1317+31G>A (NM_001256267.2); c.435+31G>A (NM_001256268.2).
Identifiers: ClinVar variation 671260 (VCV000671260.2), dbSNP rs7096613, ClinGen allele CA5522515.